The following is an entry in ClinVar:

ClinVar aggregate classification (germline): Likely benign. Review status: criteria provided, multiple submitters, no conflicts (2 of 4 stars). 3 submissions from 3 submitters: Likely benign (3). Last evaluated 2025-09-11.

Conditions:
Immunodeficiency 25. Also called: Immunodeficiency due to defect in cd3-zeta, somatic. Identifiers: MedGen C1857798, MONDO:0012426, OMIM 610163.

Allele frequency attached by ClinVar (database versions not stated): gnomAD 0.00001; TOPMed 0.00001; gnomAD exomes 0.00006 and 0.00008; ExAC 0.00007.
gnomAD v4.1: 80 of 1,614,122 alleles (0.005%); highest among the groups gnomAD compares: South Asian, 0.049%; no homozygotes.

Submissions (3):

Labcorp Genetics (formerly Invitae), Labcorp
Classification: Likely benign for Immunodeficiency 25. Last evaluated: 2025-09-11. Review status: criteria provided, single submitter. Criteria: Invitae Variant Classification Sherloc (09022015). Collection method: clinical testing. Allele origin: germline.

CeGaT Center for Human Genetics Tuebingen
Classification: Likely benign. Last evaluated: 2024-07-01. Review status: criteria provided, single submitter. Criteria: CeGaT Center For Human Genetics Tuebingen Variant Classification Criteria Version 2. Collection method: clinical testing. Allele origin: germline. Affected: yes. Observed: 1 variant allele.
Comment: CD247: BP4, BP7

Blueprint Genetics
Classification: Likely benign. Last evaluated: 2022-07-18. Review status: criteria provided, single submitter. Criteria: ACMG Guidelines, 2015. Collection method: clinical testing. Allele origin: germline.

NM_198053.3(CD247):c.39G>A (p.Gln13=)

Gene: CD247 (CD247 molecule; minus strand). Cytogenetic location: 1q24.2.
Variant type: single nucleotide variant.
Coding change: c.39G>A on transcript NM_198053.3 (MANE Select); coding-DNA position 39, G replaced by A.
Protein change: p.Gln13=; no amino-acid change (glutamine 13 retained).
Molecular consequence: synonymous variant.
Genome position (GRCh38, 1-based): chr1:167,518,427, C>T on the plus strand (G>A on the coding strand, the complement: CD247 is on the minus strand). VCF-style: chr1-167518427-C-T. GRCh37 (hg19) VCF-style: chr1-167487664-C-T.
Other names: c.39G>A, p.Gln13= (NM_000734.4, NM_001378515.1, NM_001378516.1).
Identifiers: ClinVar variation 466357 (VCV000466357.25), dbSNP rs760945719, ClinGen allele CA1226141.